The following is an entry in ClinVar:

ClinVar aggregate classification (germline): Uncertain significance (1 of 4 stars; one submission).

Conditions:
Hereditary hemorrhagic telangiectasia (HHT). Also called: ORW DISEASE; Osler Weber Rendu syndrome; OSLER-RENDU-WEBER DISEASE; Osler hemorrhagic telangiectasia syndrome. Identifiers: Orphanet 774, MedGen C0039445, MONDO:0019180. Disease mechanism: loss of function.

Submission:

Labcorp Genetics (formerly Invitae), Labcorp
Classification: Uncertain significance for Hereditary hemorrhagic telangiectasia. Last evaluated: 2022-09-16. Review status: criteria provided, single submitter. Criteria: Invitae Variant Classification Sherloc (09022015). Collection method: clinical testing. Allele origin: germline.
Comment: This variant is not present in population databases (gnomAD no frequency). In summary, the available evidence is currently insufficient to determine the role of this variant in disease. Therefore, it has been classified as a Variant of Uncertain Significance. Experimental studies and prediction algorithms are not available or were not evaluated, and the functional significance of this variant is currently unknown. This variant has been observed in individual(s) with hereditary hemorrhagic telangiectasia (Invitae). This variant, c.697_699del, results in the deletion of 1 amino acid(s) of the ENG protein (p.Thr233del), but otherwise preserves the integrity of the reading frame.

NM_001114753.3(ENG):c.697_699del (p.Thr233del)

Gene: ENG (endoglin; minus strand). Cytogenetic location: 9q34.11.
Variant type: Deletion.
Coding change: c.697_699del on transcript NM_001114753.3 (MANE Select); coding-DNA positions 697 to 699, 3 bases deleted (ACG; older notation c.697_699delACG).
Protein change: p.Thr233del; deletes threonine 233.
Molecular consequence: inframe deletion. On other transcripts: inframe indel (2).
Genome position (GRCh38, 1-based): chr9:127,825,348-127,825,350, CGT deleted on the plus strand (ACG on the coding strand, the reverse complement: ENG is on the minus strand); deleting any 3 consecutive bases within chr9:127,825,348-127,825,351 gives the same sequence; the c. name uses the placement nearest the transcript's 3' end. VCF-style (leftmost placement, unchanged base first): chr9-127825347-CCGT-C. GRCh37 (hg19) VCF-style: chr9-130587626-CCGT-C.
Other names: c.696_698delGAC, p.Thr233del (NM_000118.4, NM_001406715.1); c.151_153del, p.Thr51del (NM_001278138.2); short protein forms T233del, T51del.
Identifiers: ClinVar variation 2030831 (VCV002030831.4), dbSNP rs2539074436, ClinGen allele CA2580079674.